The following is an entry in ClinVar:

ClinVar aggregate classification (germline): Likely pathogenic. Review status: criteria provided, multiple submitters, no conflicts (2 of 4 stars). 2 submissions from 2 submitters: Likely pathogenic (2). Last evaluated 2024-04-11.

Conditions:
Combined immunodeficiency due to DOCK8 deficiency (HIES2). Also called: HIES autosomal recessive; HYPER-IgE SYNDROME 2, AUTOSOMAL RECESSIVE, WITH RECURRENT INFECTIONS; Hyper-IgE recurrent infection syndrome, autosomal recessive; HYPER-IgE RECURRENT INFECTION SYNDROME 2, AUTOSOMAL RECESSIVE; DOCK8 Deficiency. Identifiers: Orphanet 217390, MedGen C4722305, MONDO:0009478, OMIM 243700.

Submissions (2):

Fulgent Genetics
Classification: Likely pathogenic for Combined immunodeficiency due to DOCK8 deficiency. Last evaluated: 2024-04-11. Review status: criteria provided, single submitter. Criteria: ACMG Guidelines, 2015. Collection method: clinical testing. Allele origin: germline.

Labcorp Genetics (formerly Invitae), Labcorp
Classification: Likely pathogenic for Hyperimmunoglobulin E recurrent infection syndrome, autosomal recessive. Last evaluated: 2018-01-18. Review status: criteria provided, single submitter. Criteria: Invitae Variant Classification Sherloc (09022015). Collection method: clinical testing. Allele origin: germline.
Comment: This sequence change affects a donor splice site in intron 28 of the DOCK8 gene. It is expected to disrupt RNA splicing and likely results in an absent or disrupted protein product. This variant is not present in population databases (ExAC no frequency). This variant has not been reported in the literature in individuals with DOCK8-related disease. Donor and acceptor splice site variants typically lead to a loss of protein function (PMID: 16199547), and loss-of-function variants in DOCK8 are known to be pathogenic (PMID: 14722525, 19776401). In summary, the currently available evidence indicates that the variant is pathogenic, but additional data are needed to prove that conclusively. Therefore, this variant has been classified as Likely Pathogenic.

Literature cited by the submitters: PubMed 14722525 (cited by Labcorp Genetics (formerly Invitae), Labcorp); PubMed 19776401 (cited by Labcorp Genetics (formerly Invitae), Labcorp).

NM_203447.4(DOCK8):c.3530+1G>A

Gene: DOCK8 (dedicator of cytokinesis 8; plus strand). Cytogenetic location: 9p24.3.
Variant type: single nucleotide variant.
Coding change: c.3530+1G>A on transcript NM_203447.4 (MANE Select); the canonical splice donor site of the intron after coding-DNA position 3530, G replaced by A.
Molecular consequence: splice donor variant.
Genome position (GRCh38, 1-based): chr9:407,070, G>A. VCF-style: chr9-407070-G-A. GRCh37 (hg19) VCF-style: chr9-407070-G-A.
Other names: c.3326+1G>A (NM_001193536.2); c.3230+1G>A (NM_001190458.2).
Identifiers: ClinVar variation 572901 (VCV000572901.2), dbSNP rs1564025732, ClinGen allele CA372758604.